The following is an entry in ClinVar:

ClinVar aggregate classification (germline): Uncertain significance (1 of 4 stars; one submission).

Conditions:
Hereditary cancer-predisposing syndrome. Also called: Neoplastic Syndromes, Hereditary; Tumor predisposition; Hereditary Cancer Syndrome; Hereditary neoplastic syndrome. Identifiers: Orphanet 140162, MedGen C0027672, MeSH D009386, MONDO:0015356.

Submission:

Ambry Genetics
Classification: Uncertain significance for Hereditary cancer-predisposing syndrome. Last evaluated: 2026-04-06. Review status: criteria provided, single submitter. Criteria: Ambry Variant Classification Scheme 2023. Collection method: clinical testing. Allele origin: germline.
Comment: The p.S173C variant (also known as c.517A>T), located in coding exon 5 of the MRE11A gene, results from an A to T substitution at nucleotide position 517. The serine at codon 173 is replaced by cysteine, an amino acid with dissimilar properties. This amino acid position is conserved. In addition, this alteration is predicted to be tolerated by in silico analysis. Based on the available evidence, the clinical significance of this variant remains unclear.

NM_005591.4(MRE11):c.517A>T (p.Ser173Cys)

Gene: MRE11 (MRE11 double strand break repair nuclease; minus strand). Cytogenetic location: 11q21.
Variant type: single nucleotide variant.
Coding change: c.517A>T on transcript NM_005591.4 (MANE Select); coding-DNA position 517, A replaced by T.
Protein change: p.Ser173Cys; replaces serine 173 with cysteine.
Molecular consequence: missense variant. On other transcripts: intron variant (3).
Genome position (GRCh38, 1-based): chr11:94,478,762, T>A on the plus strand (A>T on the coding strand, the complement: MRE11 is on the minus strand). VCF-style: chr11-94478762-T-A. GRCh37 (hg19) VCF-style: chr11-94211928-T-A.
Other names: c.517A>T, p.Ser173Cys (NM_001330347.2, NM_001440460.1, NM_001440461.1 and 18 more transcripts); c.442A>T, p.Ser148Cys (NM_001440471.1, NM_001440472.1, NM_001440479.1); c.49A>T, p.Ser17Cys (NM_001440485.1, NM_001440486.1, NM_001440487.1); c.315-7003A>T (NM_001440483.1, NM_001440484.1, NM_001440482.1); short protein forms S148C, S173C, S17C.
Identifiers: ClinVar variation 4860272 (VCV004860272.1).